The following is an entry in ClinVar:

ClinVar aggregate classification (germline): Conflicting classifications of pathogenicity. Review status: criteria provided, conflicting classifications (1 of 4 stars). 10 submissions from 10 submitters: Pathogenic (1); Likely pathogenic (3); Uncertain significance (6). Last evaluated 2025-10-10.

Conditions:
Inborn genetic diseases. Identifiers: MedGen C0950123, MeSH D030342.
RYR1-related disorder. Also called: RYR1-related condition; RYR1-related disorders. Identifiers: MedGen CN239331.
Malignant hyperthermia, susceptibility to, 1 (MHS1). Also called: RYR1-Related Malignant Hyperthermia Susceptibility; Anesthesia related hyperthermia; Malignant hyperpyrexia; Fulminating hyperpyrexia; Pharmacogenic myopathy; Malignant hyperthermia suceptibility 1. Identifiers: Orphanet 423, MedGen C2930980, MONDO:0007783, OMIM 145600.
Central core myopathy (CMYO1A). Also called: CONGENITAL MYOPATHY 1A, AUTOSOMAL DOMINANT, WITH SUSCEPTIBILITY TO MALIGNANT HYPERTHERMIA; Central core disease; Myopathy, central fibrillar. Identifiers: Orphanet 597, MedGen C5830701, MONDO:0007294, OMIM 117000.

Allele frequency attached by ClinVar (database versions not stated): TOPMed 0.00002.
gnomAD v4.1: 26 of 1,613,760 alleles (0.0016%); highest among the groups gnomAD compares: Admixed American, 0.015%; no homozygotes.

Submissions (10):

PreventionGenetics, part of Exact Sciences
Classification: Likely pathogenic for RYR1-related condition. Last evaluated: 2025-10-10. Review status: criteria provided, single submitter. Criteria: ACMG Guidelines, 2015. Collection method: clinical testing. Allele origin: germline.
Comment: The RYR1 c.13690C>T variant is predicted to result in the amino acid substitution p.Arg4564Trp. This variant has been reported in the compound heterozygous state in an individual with congenital myopathy and in an individual with a genetic muscular disorder (Table S2, Juntas Morales et al. 2021. PubMed ID: 34440373; Table 2, Mao et al. 2025. PubMed ID: 39815277). This variant was also reported in a cohort of individuals with myopathy or muscular dystrophy; however, additional clinical details were not provided (Zenagui et al. 2018. PubMed ID: 29792937). At PreventionGenetics, we have observed this variant with a second RYR1 in patients with features of RYR1-related disorders (internal data). This variant is reported in 0.020% of alleles in individuals of Latino descent in gnomAD. This variant resides within the MH3 domain, which is considered to be a hot spot (Garibaldi et al. 2019. PubMed ID: 30611313). We interpret this variant as likely pathogenic for autosomal recessive RYR1-related disorders, but uncertain in the context of autosomal dominant RYR1-related disorders.

GeneDx
Classification: Likely pathogenic. Last evaluated: 2025-05-23. Review status: criteria provided, single submitter. Criteria: GeneDx Variant Classification Process June 2021. Collection method: clinical testing. Allele origin: germline. Affected: yes.
Comment: In silico analysis supports that this missense variant has a deleterious effect on protein structure/function; This variant is associated with the following publications: (PMID: 34440373, 29792937, 39815277)

Blueprint Genetics
Classification: Uncertain significance. Last evaluated: 2024-07-10. Review status: criteria provided, single submitter. Criteria: ACMG Guidelines, 2015. Collection method: clinical testing. Allele origin: germline.

All of Us Research Program, National Institutes of Health
Classification: Uncertain significance for Malignant hyperthermia, susceptibility to, 1. Last evaluated: 2024-06-09. Review status: criteria provided, single submitter. Criteria: ACMG Guidelines, 2015. Collection method: clinical testing. Allele origin: germline. Inheritance: Autosomal dominant inheritance. Observed: 2 variant alleles, 2 heterozygotes.
Comment: This missense variant replaces arginine with tryptophan at codon 4564 of the RYR1 protein. Computational prediction suggests that this variant may have deleterious impact on protein structure and function (internally defined REVEL score threshold >= 0.7, PMID: 27666373). To our knowledge, functional studies have not been reported for this variant. This variant has not been reported in individuals affected with autosomal dominant malignant hyperthermia in the literature, although it is associated with other phenotype(s) (ClinVar variation ID: 282726). This variant has been identified in 9/251490 chromosomes in the general population by the Genome Aggregation Database (gnomAD). Due to insufficient evidence, this variant is classified as a Variant of Uncertain Significance for autosomal dominant malignant hyperthermia.

This study involves interpretation of variants in research participants for the purpose of population health screening. Participant phenotype was not available at the time of variant classification. Additional details can be found in publication PMID: 35346344, PMCID: PMC8962531

Color Diagnostics, LLC DBA Color Health
Classification: Uncertain significance for Malignant hyperthermia, susceptibility to, 1. Last evaluated: 2024-05-17. Review status: criteria provided, single submitter. Criteria: ACMG Guidelines, 2015. Collection method: clinical testing. Allele origin: germline.
Comment: This missense variant replaces arginine with tryptophan at codon 4564 of the RYR1 protein. Computational prediction is inconclusive regarding the impact of this variant on protein structure and function. To our knowledge, functional studies have not been reported for this variant. This variant has not been reported in individuals affected with autosomal dominant malignant hyperthermia in the literature, although it is associated with other phenotype(s) (ClinVar variation ID: 282726). This variant has been identified in 9/251490 chromosomes in the general population by the Genome Aggregation Database (gnomAD). Due to insufficient evidence, this variant is classified as a Variant of Uncertain Significance for autosomal dominant malignant hyperthermia.

Labcorp Genetics (formerly Invitae), Labcorp
Classification: Pathogenic for RYR1-related disorder. Last evaluated: 2024-03-16. Review status: criteria provided, single submitter. Criteria: Invitae Variant Classification Sherloc (09022015). Collection method: clinical testing. Allele origin: germline.
Comment: This sequence change replaces arginine, which is basic and polar, with tryptophan, which is neutral and slightly polar, at codon 4564 of the RYR1 protein (p.Arg4564Trp). This variant is present in population databases (rs753208767, gnomAD 0.02%). This missense change has been observed in individual(s) with autosomal recessive RYR1-related conditions (PMID: 29792937; Invitae). In at least one individual the data is consistent with being in trans (on the opposite chromosome) from a pathogenic variant. ClinVar contains an entry for this variant (Variation ID: 282726). Advanced modeling of protein sequence and biophysical properties (such as structural, functional, and spatial information, amino acid conservation, physicochemical variation, residue mobility, and thermodynamic stability) performed at Invitae indicates that this missense variant is expected to disrupt RYR1 protein function with a positive predictive value of 95%. This variant disrupts the p.Arg4564 amino acid residue in RYR1. Other variant(s) that disrupt this residue have been determined to be pathogenic (PMID: 18253926, 30611313; Invitae). This suggests that this residue is clinically significant, and that variants that disrupt this residue are likely to be disease-causing. For these reasons, this variant has been classified as Pathogenic.

Revvity Omics, Revvity
Classification: Uncertain significance. Last evaluated: 2024-02-12. Review status: criteria provided, single submitter. Criteria: ACMG Guidelines, 2015. Collection method: clinical testing. Allele origin: germline.

Ambry Genetics
Classification: Likely pathogenic for Inborn genetic diseases. Last evaluated: 2023-11-03. Review status: criteria provided, single submitter. Criteria: Ambry Variant Classification Scheme 2023. Collection method: clinical testing. Allele origin: germline.
Comment: The c.13690C>T (p.R4564W) alteration is located in exon 94 (coding exon 94) of the RYR1 gene. This alteration results from a C to T substitution at nucleotide position 13690, causing the arginine (R) at amino acid position 4564 to be replaced by a tryptophan (W)._x000D_ Based on the available evidence, the RYR1 c.13690C>T (p.R4564W) alteration is classified as likely pathogenic for autosomal recessive RYR1-related myopathy; however, its clinical significance for autosomal dominant RYR1-related myopathy and autosomal dominant malignant hyperthermia susceptibility is uncertain. Based on data from gnomAD, the T allele has an overall frequency of 0.004% (9/251490) total alleles studied. The highest observed frequency was 0.02% (7/34592) of Latino alleles. This variant has been detected in trans with a second RYR1 variant in multiple individuals with clinical features of RYR1-related myopathy (Ambry internal data; external communications; Juntas Morales, 2021). This amino acid position is highly conserved in available vertebrate species. This alteration is predicted to be deleterious by in silico analysis. Based on the available evidence, this alteration is classified as likely pathogenic.

Eurofins Ntd Llc (ga)
Classification: Uncertain significance. Last evaluated: 2015-08-31. Review status: criteria provided, single submitter. Criteria: EGL Classification Definitions 2015. Collection method: clinical testing. Allele origin: germline. Observed: 2 variant alleles, 2 heterozygotes.

Neuberg Centre For Genomic Medicine, NCGM
Classification: Uncertain significance for Central core myopathy. Review status: criteria provided, single submitter. Criteria: ACMG Guidelines, 2015. Collection method: clinical testing. Allele origin: germline. Inheritance: Autosomal recessive inheritance. Affected: yes.
Comment: The c.13690C>T (p.Arg4564Trp) missense variant in RYR1 gene has been submitted to ClinVar with varying interpretations: Likely Pathogenic/ Uncertain Significance. It has been previously reported in an individual undergoing genetic testing for a myopathy or muscular dystrophy phenotype (Zenagui et al., 2018). This variant is reported with the allele frequency (0.003%) in the gnomAD and novel in 1000 genome database. The amino acid Arg at position 4564 is changed to a Trp changing protein sequence and it might alter its composition and physico-chemical properties. The amino acid change p.Arg4564Trp in RYR1 is predicted as conserved by GERP++ and PhyloP across 100 vertebrates. For these reasons, this variant has been classified as Variant of Uncertain Significance (VUS).

Literature cited by the submitters: PubMed 29792937 (cited by Labcorp Genetics (formerly Invitae), Labcorp); PubMed 18253926 (cited by Labcorp Genetics (formerly Invitae), Labcorp); PubMed 30611313 (cited by Labcorp Genetics (formerly Invitae), Labcorp); PubMed 34440373 (cited by Ambry Genetics).

NM_000540.3(RYR1):c.13690C>T (p.Arg4564Trp)

Gene: RYR1 (ryanodine receptor 1; plus strand). Cytogenetic location: 19q13.2.
Variant type: single nucleotide variant.
Coding change: c.13690C>T on transcript NM_000540.3 (MANE Select); coding-DNA position 13690, C replaced by T.
Protein change: p.Arg4564Trp; replaces arginine 4564 with tryptophan.
Molecular consequence: missense variant.
Genome position (GRCh38, 1-based): chr19:38,570,637, C>T. VCF-style: chr19-38570637-C-T. GRCh37 (hg19) VCF-style: chr19-39061277-C-T.
Other names: c.13675C>T, p.Arg4559Trp (NM_001042723.2); short protein forms R4564W, R4559W.
Identifiers: ClinVar variation 282726 (VCV000282726.30), dbSNP rs753208767, ClinGen allele CA060399.